The following is an entry in ClinVar:

ClinVar aggregate classification (germline): Uncertain significance (1 of 4 stars; one submission).

Submission:

Labcorp Genetics (formerly Invitae), Labcorp
Classification: Uncertain significance. Last evaluated: 2022-06-04. Review status: criteria provided, single submitter. Criteria: Invitae Variant Classification Sherloc (09022015). Collection method: clinical testing. Allele origin: germline.
Comment: This sequence change replaces methionine, which is neutral and non-polar, with valine, which is neutral and non-polar, at codon 472 of the MTTP protein (p.Met472Val). This variant is not present in population databases (gnomAD no frequency). This variant has not been reported in the literature in individuals affected with MTTP-related conditions. ClinVar contains an entry for this variant (Variation ID: 1356212). Algorithms developed to predict the effect of missense changes on protein structure and function (SIFT, PolyPhen-2, Align-GVGD) all suggest that this variant is likely to be tolerated. In summary, the available evidence is currently insufficient to determine the role of this variant in disease. Therefore, it has been classified as a Variant of Uncertain Significance.

NM_001386140.1(MTTP):c.1414A>G (p.Met472Val)

Gene: MTTP (microsomal triglyceride transfer protein; plus strand). Cytogenetic location: 4q23.
Variant type: single nucleotide variant.
Coding change: c.1414A>G on transcript NM_001386140.1 (MANE Select); coding-DNA position 1414, A replaced by G.
Protein change: p.Met472Val; replaces methionine 472 with valine.
Molecular consequence: missense variant.
Genome position (GRCh38, 1-based): chr4:99,606,817, A>G. VCF-style: chr4-99606817-A-G. GRCh37 (hg19) VCF-style: chr4-100527974-A-G.
Other names: c.1414A>G, p.Met472Val (NM_000253.4); c.1165A>G, p.Met389Val (NM_001300785.2); short protein forms M389V, M472V.
Identifiers: ClinVar variation 1356212 (VCV001356212.6), dbSNP rs2110228710, ClinGen allele CA357510443.